The following is an entry in ClinVar:

NM_002709.3(PPP1CB):c.592+2dup

Gene: PPP1CB (protein phosphatase 1 catalytic subunit beta; plus strand). Cytogenetic location: 2p23.2.
Variant type: Duplication.
Coding change: c.592+2dup on transcript NM_002709.3 (MANE Select); the canonical splice donor site of the intron after coding-DNA position 592, one base duplicated (T; older notation c.592+2dupT).
Molecular consequence: splice donor variant.
Genome position (GRCh38, 1-based): chr2:28,783,980, T duplicated. VCF-style (leftmost placement, unchanged base first): chr2-28783979-G-GT. GRCh37 (hg19) VCF-style: chr2-29006845-G-GT.
Other names: c.592+2dup (NM_206876.2).
Identifiers: ClinVar variation 2793832 (VCV002793832.3), dbSNP rs765072682, ClinGen allele CA1589273.

ClinVar aggregate classification (germline): Uncertain significance (1 of 4 stars; one submission).

Allele frequency attached by ClinVar (database versions not stated): gnomAD exomes below 0.00001; gnomAD 0.00001; ExAC 0.00002; TOPMed 0.00002; ESP Exome Variant Server 0.00008.

Submission:

Labcorp Genetics (formerly Invitae), Labcorp
Classification: Uncertain significance. Last evaluated: 2023-03-19. Review status: criteria provided, single submitter. Criteria: Invitae Variant Classification Sherloc (09022015). Collection method: clinical testing. Allele origin: germline.
Comment: In summary, the available evidence is currently insufficient to determine the role of this variant in disease. Therefore, it has been classified as a Variant of Uncertain Significance. Variants that disrupt the consensus splice site are a relatively common cause of aberrant splicing (PMID: 17576681, 9536098). Algorithms developed to predict the effect of sequence changes on RNA splicing suggest that this variant is not likely to affect RNA splicing. This variant has not been reported in the literature in individuals affected with PPP1CB-related conditions. This variant is present in population databases (rs765072682, gnomAD 0.003%). This sequence change falls in intron 6 of the PPP1CB gene. It does not directly change the encoded amino acid sequence of the PPP1CB protein. It affects a nucleotide within the consensus splice site.

Literature cited by the submitters: PubMed 17576681; PubMed 9536098.